The following is an entry in ClinVar:

ClinVar aggregate classification (germline): Conflicting classifications of pathogenicity. Review status: criteria provided, conflicting classifications (1 of 4 stars). 3 submissions from 3 submitters: Uncertain significance (1); Likely benign (2). Last evaluated 2026-02-02.

Allele frequency attached by ClinVar (database versions not stated): ESP Exome Variant Server 0.00008; ExAC 0.00013; gnomAD exomes 0.00013; gnomAD 0.00026 and 0.00027; TOPMed 0.00028; 1000 Genomes Project 30x 0.00031; 1000 Genomes Project 0.00040.
gnomAD v4.1: 182 of 1,613,788 alleles (0.011%); highest among the groups gnomAD compares: African/African-American, 0.073%; no homozygotes.

Submissions (3):

Labcorp Genetics (formerly Invitae), Labcorp
Classification: Likely benign. Last evaluated: 2026-02-02. Review status: criteria provided, single submitter. Criteria: Invitae Variant Classification Sherloc (09022015). Collection method: clinical testing. Allele origin: germline.

Athena Diagnostics
Classification: Uncertain significance. Last evaluated: 2025-03-24. Review status: criteria provided, single submitter. Criteria: Athena Diagnostics Criteria. Collection method: clinical testing. Allele origin: unknown.
Comment: Available data are insufficient to determine the clinical significance of the variant at this time. The frequency of this variant in the general population is uninformative in assessment of its pathogenicity. Polyphen and MutationTaster predict this amino acid change may be benign.

GeneDx
Classification: Likely benign. Last evaluated: 2014-03-13. Review status: criteria provided, single submitter. Criteria: GeneDx Variant Classification (06012015). Collection method: clinical testing. Allele origin: germline. Affected: yes.
Comment: This variant is considered likely benign or benign based on one or more of the following criteria: it is a conservative change, it occurs at a poorly conserved position in the protein, it is predicted to be benign by multiple in silico algorithms, and/or has population frequency not consistent with disease.

Literature cited by the submitters: PubMed 29255295 (cited by Athena Diagnostics).

NM_020247.5(COQ8A):c.62C>T (p.Ala21Val)

Gene: COQ8A (coenzyme Q8A; plus strand). Cytogenetic location: 1q42.13.
Variant type: single nucleotide variant.
Coding change: c.62C>T on transcript NM_020247.5 (MANE Select); coding-DNA position 62, C replaced by T.
Protein change: p.Ala21Val; replaces alanine 21 with valine.
Molecular consequence: missense variant.
Genome position (GRCh38, 1-based): chr1:226,961,447, C>T. VCF-style: chr1-226961447-C-T. GRCh37 (hg19) VCF-style: chr1-227149148-C-T.
Other names: p.A21V:GCG>GTG; short protein forms A21V.
Identifiers: ClinVar variation 214025 (VCV000214025.13), dbSNP rs142184584, ClinGen allele CA324324.